The following is an entry in ClinVar:

ClinVar aggregate classification (germline): Uncertain significance (1 of 4 stars; one submission).

Conditions:
Arginine:glycine amidinotransferase deficiency (CCDS3). Also called: Cerebral creatine deficiency syndrome 3; Creatine deficiency syndrome due to AGAT deficiency; GATM deficiency; L-Arginine:Glycine Amidinotransferase (AGAT) Deficiency; AGAT deficiency; L-Arginine:Glycine Amidinotransferase Deficiency. Identifiers: Orphanet 35704, MedGen C2675179, MONDO:0012996, OMIM 612718.

Allele frequency attached by ClinVar (database versions not stated): TOPMed below 0.00001; gnomAD 0.00001; gnomAD exomes 0.00001.
gnomAD v4.1: 12 of 1,612,842 alleles (0.00074%); highest among the groups gnomAD compares: South Asian, 0.0011%; no homozygotes.

Submission:

Labcorp Genetics (formerly Invitae), Labcorp
Classification: Uncertain significance for Arginine:glycine amidinotransferase deficiency. Last evaluated: 2021-12-31. Review status: criteria provided, single submitter. Criteria: Invitae Variant Classification Sherloc (09022015). Collection method: clinical testing. Allele origin: germline.
Comment: This sequence change replaces threonine, which is neutral and polar, with methionine, which is neutral and non-polar, at codon 161 of the GATM protein (p.Thr161Met). This variant is not present in population databases (gnomAD no frequency). This variant has not been reported in the literature in individuals affected with GATM-related conditions. Algorithms developed to predict the effect of missense changes on protein structure and function are either unavailable or do not agree on the potential impact of this missense change (SIFT: "Deleterious"; PolyPhen-2: "Benign"; Align-GVGD: "Class C65"). In summary, the available evidence is currently insufficient to determine the role of this variant in disease. Therefore, it has been classified as a Variant of Uncertain Significance.

NM_001482.3(GATM):c.482C>T (p.Thr161Met)

Gene: GATM (glycine amidinotransferase; minus strand). Cytogenetic location: 15q21.1.
Variant type: single nucleotide variant.
Coding change: c.482C>T on transcript NM_001482.3 (MANE Select); coding-DNA position 482, C replaced by T.
Protein change: p.Thr161Met; replaces threonine 161 with methionine.
Molecular consequence: missense variant.
Genome position (GRCh38, 1-based): chr15:45,369,328, G>A on the plus strand (C>T on the coding strand, the complement: GATM is on the minus strand). VCF-style: chr15-45369328-G-A. GRCh37 (hg19) VCF-style: chr15-45661526-G-A.
Other names: c.95C>T, p.Thr32Met (NM_001321015.2); short protein forms T161M, T32M.
Identifiers: ClinVar variation 1978476 (VCV001978476.1), dbSNP rs1889500162, ClinGen allele CA392261469.
Genomic context (GRCh38, chr15:45,369,328, plus strand): 5'-ATTAAGAAAGAAATTGAAAATTCAGACACTGGCAGTTTAGTTATCTGACATCACTTACCC[G>A]TAGACTCAAAATCAGGAGTTTTATACTTCAATGACCAGTCAATGGGGTCAGGCCTCCTTA-3'
Protein context (NP_001473.1, residues 151-171): LKYKTPDFES[Thr161Met]GLYSAMPRDI